The following is an entry in ClinVar:

NM_001081.4(CUBN):c.2791+14C>T

Gene: CUBN (cubilin; minus strand). Cytogenetic location: 10p13.
Variant type: single nucleotide variant.
Coding change: c.2791+14C>T on transcript NM_001081.4 (MANE Select); 14 bases into the intron after coding-DNA position 2791, C replaced by T.
Molecular consequence: intron variant.
Genome position (GRCh38, 1-based): chr10:17,068,591, G>A on the plus strand (C>T on the coding strand, the complement: CUBN is on the minus strand). VCF-style: chr10-17068591-G-A. GRCh37 (hg19) VCF-style: chr10-17110590-G-A.
Other names: p.?.
Identifiers: ClinVar variation 299497 (VCV000299497.19), dbSNP rs111781659, ClinGen allele CA5424870.

ClinVar aggregate classification (germline): Benign. Review status: criteria provided, multiple submitters, no conflicts (2 of 4 stars). 6 submissions from 6 submitters: Benign (6). Last evaluated 2026-01-27.

Conditions:
Imerslund-Grasbeck syndrome type 1 (IGS1). Also called: Megaloblastic anemia 1, Finnish type; MEGALOBLASTIC ANEMIA, 1; Imerslund-Gräsbeck syndrome 1. Identifiers: MedGen C4016819, MONDO:0100156, OMIM 261100.
Imerslund-Grasbeck syndrome. Also called: Megaloblastic anemia due to inborn errors of metabolism; Imerslund-Gräsbeck syndrome; ENTEROCYTE COBALAMIN MALABSORPTION; ENTEROCYTE INTRINSIC FACTOR RECEPTOR, DEFECT OF; PERNICIOUS ANEMIA, JUVENILE, DUE TO SELECTIVE INTESTINAL MALABSORPTION OF VITAMIN B12, WITH PROTEINURIA. Identifiers: Orphanet 35858, MedGen C4551825, MONDO:0009853.

Allele frequency attached by ClinVar (database versions not stated): 1000 Genomes Project 0.02716; ESP Exome Variant Server 0.02161; gnomAD exomes 0.00236 and 0.00572; ExAC 0.00692; gnomAD 0.02354 and 0.02202; TOPMed 0.02393.
gnomAD v4.1: 6,912 of 1,599,238 alleles (0.43%); highest among the groups gnomAD compares: African/African-American, 7.7%; 206 homozygotes.

Submissions (6):

Labcorp Genetics (formerly Invitae), Labcorp
Classification: Benign for Imerslund-Grasbeck syndrome. Last evaluated: 2026-01-27. Review status: criteria provided, single submitter. Criteria: Invitae Variant Classification Sherloc (09022015). Collection method: clinical testing. Allele origin: germline.

ARUP Laboratories, Molecular Genetics and Genomics, ARUP Laboratories
Classification: Benign. Last evaluated: 2025-06-03. Review status: criteria provided, single submitter. Criteria: ARUP Molecular Germline Variant Investigation Process 2024. Collection method: clinical testing. Allele origin: germline.

Mayo Clinic Laboratories, Mayo Clinic
Classification: Benign. Last evaluated: 2024-12-28. Review status: criteria provided, single submitter. Criteria: ACMG Guidelines, 2015. Collection method: clinical testing. Allele origin: germline. Observed: 1 variant allele.

GeneDx
Classification: Benign. Last evaluated: 2019-02-21. Review status: criteria provided, single submitter. Criteria: GeneDx Variant Classification Process June 2021. Collection method: clinical testing. Allele origin: germline. Affected: yes.

Illumina Laboratory Services, Illumina
Classification: Benign for Imerslund-Grasbeck syndrome type 1. Last evaluated: 2018-01-13. Review status: criteria provided, single submitter. Criteria: ICSL Variant Classification Criteria 13 December 2019. Collection method: clinical testing. Allele origin: germline.
Comment: This variant was observed in the ICSL laboratory as part of a predisposition screen in an ostensibly healthy population. It had not been previously curated by ICSL or reported in the Human Gene Mutation Database (HGMD: prior to June 1st, 2018), and was therefore a candidate for classification through an automated scoring system. Utilizing variant allele frequency, disease prevalence and penetrance estimates, and inheritance mode, an automated score was calculated to assess if this variant is too frequent to cause the disease. Based on the score and internal cut-off values, a variant classified as benign is not then subjected to further curation. The score for this variant resulted in a classification of benign for this disease.

Breakthrough Genomics
Classification: Benign. Review status: criteria provided, single submitter. Criteria: ACMG Guidelines, 2015. Collection method: not provided. Allele origin: germline. Inheritance: Autosomal recessive inheritance. Affected: yes.